The following is an entry in ClinVar:

ClinVar aggregate classification (germline): Uncertain significance (1 of 4 stars; one submission).

Conditions:
Hereditary cancer-predisposing syndrome. Also called: Neoplastic Syndromes, Hereditary; Hereditary Cancer Syndrome; Hereditary neoplastic syndrome; Tumor predisposition. Identifiers: Orphanet 140162, MedGen C0027672, MeSH D009386, MONDO:0015356.

Allele frequency attached by ClinVar (database versions not stated): gnomAD exomes below 0.00001.

Submission:

Ambry Genetics
Classification: Uncertain significance for Hereditary cancer-predisposing syndrome. Last evaluated: 2023-05-15. Review status: criteria provided, single submitter. Criteria: Ambry Variant Classification Scheme 2023. Collection method: clinical testing. Allele origin: germline.
Comment: The p.Q78E variant (also known as c.232C>G), located in coding exon 1 of the CHEK2 gene, results from a C to G substitution at nucleotide position 232. The glutamine at codon 78 is replaced by glutamic acid, an amino acid with highly similar properties. This amino acid position is well conserved in available vertebrate species. In addition, the in silico prediction for this alteration is inconclusive. Since supporting evidence is limited at this time, the clinical significance of this alteration remains unclear.

NM_007194.4(CHEK2):c.232C>G (p.Gln78Glu)

Gene: CHEK2 (checkpoint kinase 2; minus strand). Cytogenetic location: 22q12.1.
Variant type: single nucleotide variant.
Coding change: c.232C>G on transcript NM_007194.4 (MANE Select); coding-DNA position 232, C replaced by G.
Protein change: p.Gln78Glu; replaces glutamine 78 with glutamic acid.
Molecular consequence: missense variant.
Genome position (GRCh38, 1-based): chr22:28,734,490, G>C on the plus strand (C>G on the coding strand, the complement: CHEK2 is on the minus strand). VCF-style: chr22-28734490-G-C. GRCh37 (hg19) VCF-style: chr22-29130478-G-C.
Other names: c.232C>G, p.Gln78Glu (NM_001005735.3, NM_001349956.3, NM_145862.3); c.-546C>G (NM_001257387.3); short protein forms Q78E.
Identifiers: ClinVar variation 2566541 (VCV002566541.2), dbSNP rs1555932341, ClinGen allele CA411090666.